The following is an entry in ClinVar:

ClinVar aggregate classification (germline): Conflicting classifications of pathogenicity. Review status: criteria provided, conflicting classifications (1 of 4 stars). 3 submissions from 3 submitters: Likely pathogenic (1); Uncertain significance (2). Last evaluated 2026-06-10.

Conditions:
Intellectual disability, autosomal dominant 16 (CSS4). Also called: COFFIN-SIRIS SYNDROME 4. Identifiers: Orphanet 1465, MedGen C3553249, MONDO:0013821, OMIM 614609.

Submissions (3):

Greenwood Genetic Center Diagnostic Laboratories, Greenwood Genetic Center
Classification: Uncertain significance. Last evaluated: 2026-06-10. Review status: criteria provided, single submitter. Criteria: ACMG Guidelines, 2015. Collection method: clinical testing. Allele origin: germline.
Comment: PM2, PP2

GeneDx
Classification: Uncertain significance. Last evaluated: 2019-07-10. Review status: criteria provided, single submitter. Criteria: GeneDx Variant Classification Process June 2021. Collection method: clinical testing. Allele origin: germline. Affected: yes.
Comment: Not observed in large population cohorts (Lek et al., 2016); In silico analysis, which includes protein predictors and evolutionary conservation, supports a deleterious effect; Has not been previously published as pathogenic or benign to our knowledge

Clinical Genetics Service, Universitary Hospital 12 de Octubre
Classification: Likely pathogenic for Intellectual disability, autosomal dominant 16. Review status: criteria provided, single submitter. Criteria: ACMG Guidelines, 2015. Collection method: clinical testing. Allele origin: de novo. Affected: yes.

NM_003072.5(SMARCA4):c.1567G>A (p.Glu523Lys)

Gene: SMARCA4 (SWI/SNF related BAF chromatin remodeling complex subunit ATPase 4; plus strand). Cytogenetic location: 19p13.2.
Variant type: single nucleotide variant.
Coding change: c.1567G>A on transcript NM_003072.5 (MANE Select); coding-DNA position 1567, G replaced by A.
Protein change: p.Glu523Lys; replaces glutamic acid 523 with lysine.
Molecular consequence: missense variant. On other transcripts: non-coding transcript variant (1).
Genome position (GRCh38, 1-based): chr19:10,994,975, G>A. VCF-style: chr19-10994975-G-A. GRCh37 (hg19) VCF-style: chr19-11105651-G-A.
Other names: c.1567G>A, p.Glu523Lys (NM_001128844.3, NM_001128845.2, NM_001128846.2 and 5 more transcripts); short protein forms E523K.
Identifiers: ClinVar variation 1306831 (VCV001306831.4), dbSNP rs2086888561, ClinGen allele CA404062280.